The following is an entry in ClinVar:

NM_015203.5(RPRD2):c.2283C>T (p.Ser761=)

Gene: RPRD2 (regulation of nuclear pre-mRNA domain containing 2; plus strand). Cytogenetic location: 1q21.2.
Variant type: single nucleotide variant.
Coding change: c.2283C>T on transcript NM_015203.5 (MANE Select); coding-DNA position 2283, C replaced by T.
Protein change: p.Ser761=; no amino-acid change (serine 761 retained).
Molecular consequence: synonymous variant. On other transcripts: intron variant (3).
Genome position (GRCh38, 1-based): chr1:150,471,231, C>T. VCF-style: chr1-150471231-C-T. GRCh37 (hg19) VCF-style: chr1-150443707-C-T.
Other names: c.2205C>T, p.Ser735= (NM_001297673.2, NM_001297674.2); c.2082C>T, p.Ser694= (NM_001387117.1, NM_001387119.1); c.2004C>T, p.Ser668= (NM_001387118.1); c.2283C>T, p.Ser761= (NM_001387120.1); c.1434C>T, p.Ser478= (NM_001387121.1); c.1875C>T, p.Ser625= (NM_001387122.1, NM_001387123.1, NM_001387124.1); c.2032+251C>T (NM_001387116.1); c.1954+251C>T (NM_001387115.1); and 1 more.
Identifiers: ClinVar variation 2639159 (VCV002639159.24), dbSNP rs200404582, ClinGen allele CA1076167.

ClinVar aggregate classification (germline): Likely benign (1 of 4 stars; one submission).

Allele frequency attached by ClinVar (database versions not stated): 1000 Genomes Project 0.00080; 1000 Genomes Project 30x 0.00094; ExAC 0.00218; TOPMed 0.00222; gnomAD 0.00229; ESP Exome Variant Server 0.00293; gnomAD exomes 0.00375.
gnomAD v4.1: 5,786 of 1,613,794 alleles (0.36%); highest among the groups gnomAD compares: Non-Finnish European, 0.44%; 13 homozygotes.

Submission:

CeGaT Center for Human Genetics Tuebingen
Classification: Likely benign. Last evaluated: 2022-04-01. Review status: criteria provided, single submitter. Criteria: CeGaT Center For Human Genetics Tuebingen Variant Classification Criteria Version 2. Collection method: clinical testing. Allele origin: germline. Affected: yes. Observed: 1 variant allele.
Comment: RPRD2: BP4, BP7